The following is an entry in ClinVar:

NM_033004.4(NLRP1):c.1336A>G (p.Lys446Glu)

Gene: NLRP1 (NLR family pyrin domain containing 1; minus strand). Cytogenetic location: 17p13.2.
Variant type: single nucleotide variant.
Coding change: c.1336A>G on transcript NM_033004.4 (MANE Select); coding-DNA position 1336, A replaced by G.
Protein change: p.Lys446Glu; replaces lysine 446 with glutamic acid.
Molecular consequence: missense variant.
Genome position (GRCh38, 1-based): chr17:5,559,360, T>C on the plus strand (A>G on the coding strand, the complement: NLRP1 is on the minus strand). VCF-style: chr17-5559360-T-C. GRCh37 (hg19) VCF-style: chr17-5462680-T-C.
Other names: c.1336A>G, p.Lys446Glu (NM_001033053.3, NM_014922.5, NM_033006.4 and 1 more transcripts); short protein forms K446E.
Identifiers: ClinVar variation 2049336 (VCV002049336.4), dbSNP rs2507939812, ClinGen allele CA397386089.

ClinVar aggregate classification (germline): Uncertain significance (1 of 4 stars; one submission).

Submission:

Labcorp Genetics (formerly Invitae), Labcorp
Classification: Uncertain significance. Last evaluated: 2021-12-19. Review status: criteria provided, single submitter. Criteria: Invitae Variant Classification Sherloc (09022015). Collection method: clinical testing. Allele origin: germline.
Comment: Algorithms developed to predict the effect of missense changes on protein structure and function are either unavailable or do not agree on the potential impact of this missense change (SIFT: "Tolerated"; PolyPhen-2: "Probably Damaging"; Align-GVGD: "Class C0"). This variant has not been reported in the literature in individuals affected with NLRP1-related conditions. This variant is not present in population databases (gnomAD no frequency). This sequence change replaces lysine, which is basic and polar, with glutamic acid, which is acidic and polar, at codon 446 of the NLRP1 protein (p.Lys446Glu). In summary, the available evidence is currently insufficient to determine the role of this variant in disease. Therefore, it has been classified as a Variant of Uncertain Significance.